The following is an entry in ClinVar:

ClinVar aggregate classification (germline): Uncertain significance (1 of 4 stars; one submission).

Submission:

Ambry Genetics
Classification: Uncertain significance. Last evaluated: 2023-07-27. Review status: criteria provided, single submitter. Criteria: Ambry Variant Classification Scheme 2023. Collection method: clinical testing. Allele origin: germline.
Comment: The p.G813R variant (also known as c.2437G>A), located in coding exon 4 of the ALPK2 gene, results from a G to A substitution at nucleotide position 2437. The glycine at codon 813 is replaced by arginine, an amino acid with dissimilar properties. This amino acid position is conserved. In addition, this alteration is predicted to be tolerated by in silico analysis. Since supporting evidence is limited at this time, the clinical significance of this alteration remains unclear.

NM_052947.4(ALPK2):c.2437G>A (p.Gly813Arg)

Gene: ALPK2 (alpha kinase 2; minus strand). Cytogenetic location: 18q21.31.
Variant type: single nucleotide variant.
Coding change: c.2437G>A on transcript NM_052947.4 (MANE Select); coding-DNA position 2437, G replaced by A.
Protein change: p.Gly813Arg; replaces glycine 813 with arginine.
Molecular consequence: missense variant.
Genome position (GRCh38, 1-based): chr18:58,537,750, C>T on the plus strand (G>A on the coding strand, the complement: ALPK2 is on the minus strand). VCF-style: chr18-58537750-C-T. GRCh37 (hg19) VCF-style: chr18-56204982-C-T.
Other names: short protein forms G813R.
Identifiers: ClinVar variation 2626007 (VCV002626007.2), dbSNP rs2518877665, ClinGen allele CA402570622.